The following is an entry in ClinVar:

ClinVar aggregate classification (germline): Uncertain significance (1 of 4 stars; one submission).

gnomAD v4.1: 1 of 1,613,992 alleles (0.000062%); highest among the groups gnomAD compares: African/African-American, 0.0013%; no homozygotes.

Submission:

Labcorp Genetics (formerly Invitae), Labcorp
Classification: Uncertain significance. Last evaluated: 2025-10-20. Review status: criteria provided, single submitter. Criteria: Invitae Variant Classification Sherloc (09022015). Collection method: clinical testing. Allele origin: germline.
Comment: This sequence change replaces isoleucine, which is neutral and non-polar, with threonine, which is neutral and polar, at codon 712 of the SNRNP200 protein (p.Ile712Thr). This variant is not present in population databases (gnomAD no frequency). This variant has not been reported in the literature in individuals affected with SNRNP200-related conditions. Invitae Evidence Modeling of protein sequence and biophysical properties (such as structural, functional, and spatial information, amino acid conservation, physicochemical variation, residue mobility, and thermodynamic stability) indicates that this missense variant is not expected to disrupt SNRNP200 protein function with a negative predictive value of 95%. In summary, the available evidence is currently insufficient to determine the role of this variant in disease. Therefore, it has been classified as a Variant of Uncertain Significance.

NM_014014.5(SNRNP200):c.2135T>C (p.Ile712Thr)

Gene: SNRNP200 (small nuclear ribonucleoprotein U5 subunit 200; minus strand). Cytogenetic location: 2q11.2.
Variant type: single nucleotide variant.
Coding change: c.2135T>C on transcript NM_014014.5 (MANE Select); coding-DNA position 2135, T replaced by C.
Protein change: p.Ile712Thr; replaces isoleucine 712 with threonine.
Molecular consequence: missense variant.
Genome position (GRCh38, 1-based): chr2:96,292,997, A>G on the plus strand (T>C on the coding strand, the complement: SNRNP200 is on the minus strand). VCF-style: chr2-96292997-A-G. GRCh37 (hg19) VCF-style: chr2-96958735-A-G.
Other names: short protein forms I712T.
Identifiers: ClinVar variation 4700073 (VCV004700073.1).
Genomic context (GRCh38, chr2:96,292,997, plus strand): 5'-TGGGGTTCAAGAGTAACCATAAACCACGGGCAAACCTGATTTTTTCCAGCATGTTCCATG[A>G]TTTTTTCATAGACGATTTCATTCATGATCTGGAAACGCTTGATAGCTTTTTTCTCTGTGA-3'
Protein context (NP_054733.2, residues 702-722): QIMNEIVYEK[Ile712Thr]MEHAGKNQVL